The following is an entry in ClinVar:

ClinVar aggregate classification (germline): Uncertain significance (1 of 4 stars; one submission).

Conditions:
Familial adenomatous polyposis 2. Also called: MYH-associated polyposis; MUTYH Polyposis; Adenomas, multiple colorectal; COLORECTAL ADENOMATOUS POLYPOSIS, AUTOSOMAL RECESSIVE; ADENOMAS, MULTIPLE COLORECTAL, AUTOSOMAL RECESSIVE; MUTYH-associated polyposis. Identifiers: Orphanet 220460, Orphanet 247798, MedGen C3272841, MONDO:0012041, OMIM 608456.

Submission:

Labcorp Genetics (formerly Invitae), Labcorp
Classification: Uncertain significance for Familial adenomatous polyposis 2. Last evaluated: 2025-07-30. Review status: criteria provided, single submitter. Criteria: Invitae Variant Classification Sherloc (09022015). Collection method: clinical testing. Allele origin: germline.
Comment: This sequence change replaces proline, which is neutral and non-polar, with histidine, which is basic and polar, at codon 430 of the MUTYH protein (p.Pro430His). This variant is not present in population databases (gnomAD no frequency). This variant has not been reported in the literature in individuals affected with MUTYH-related conditions. An algorithm developed to predict the effect of missense changes on protein structure and function (PolyPhen-2) suggests that this variant is likely to be tolerated. In summary, the available evidence is currently insufficient to determine the role of this variant in disease. Therefore, it has been classified as a Variant of Uncertain Significance.

NM_001048174.2(MUTYH):c.1205C>A (p.Pro402His)

Gene: MUTYH (mutY DNA glycosylase; minus strand). Cytogenetic location: 1p34.1.
Variant type: single nucleotide variant.
Coding change: c.1205C>A on transcript NM_001048174.2 (MANE Select); coding-DNA position 1205, C replaced by A.
Protein change: p.Pro402His; replaces proline 402 with histidine.
Molecular consequence: missense variant. On other transcripts: non-coding transcript variant (7).
Genome position (GRCh38, 1-based): chr1:45,331,454, G>T on the plus strand (C>A on the coding strand, the complement: MUTYH is on the minus strand). VCF-style: chr1-45331454-G-T. GRCh37 (hg19) VCF-style: chr1-45797126-G-T.
Other names: c.1205C>A, p.Pro402His (NM_001048171.2, NM_001048173.2, NM_001293195.2 and 6 more transcripts); c.1208C>A, p.Pro403His (NM_001048172.2, NM_001407086.1, NM_001407071.1 and 1 more transcripts); c.1289C>A, p.Pro430His (NM_001128425.2); c.1250C>A, p.Pro417His (NM_001293190.2); c.1238C>A, p.Pro413His (NM_001293191.2, NM_001407069.1, NM_001407077.1); c.929C>A, p.Pro310His (NM_001293192.2, NM_001293196.2, NM_001407091.1); c.860C>A, p.Pro287His (NM_001350650.2, NM_001407082.1, NM_001350651.2); c.1163C>A, p.Pro388His (NM_001407080.1); and 5 more; short protein forms P310H, P409H, P287H, P413H, P417H, P388H, P374H, P389H.
Identifiers: ClinVar variation 4769921 (VCV004769921.1).
Genomic context (GRCh38, chr1:45,331,454, plus strand): 5'-CCTTGGCTATTCCGCTGCTCACTTACCTCCCCAAGGTGCCGGAGGTGCGTGGCTGGGAGG[G>T]GCCCAGCCCAACGCTGTAGTTCCTGCAGCAGGGCCTTGCGCTGAAGCTGCTCTGAGGGCT-3'
Protein context (NP_001041639.1, residues 392-412): LLQELQRWAG[Pro402His]LPATHLRHLG